The following is an entry in ClinVar:

ClinVar aggregate classification (germline): Uncertain significance (1 of 4 stars; one submission).

Submission:

GeneDx
Classification: Uncertain significance. Last evaluated: 2024-07-22. Review status: criteria provided, single submitter. Criteria: GeneDx Variant Classification Process June 2021. Collection method: clinical testing. Allele origin: germline. Affected: yes.
Comment: Not observed at significant frequency in large population cohorts (gnomAD); In silico analysis supports that this missense variant has a deleterious effect on protein structure/function; Has not been previously published as pathogenic or benign to our knowledge

NM_003660.4(PPFIA3):c.1813A>G (p.Met605Val)

Gene: PPFIA3 (PTPRF interacting protein alpha 3; plus strand). Cytogenetic location: 19q13.33.
Variant type: single nucleotide variant.
Coding change: c.1813A>G on transcript NM_003660.4 (MANE Select); coding-DNA position 1813, A replaced by G.
Protein change: p.Met605Val; replaces methionine 605 with valine.
Molecular consequence: missense variant. On other transcripts: non-coding transcript variant (1).
Genome position (GRCh38, 1-based): chr19:49,136,871, A>G. VCF-style: chr19-49136871-A-G. GRCh37 (hg19) VCF-style: chr19-49640128-A-G.
Other names: short protein forms M605V.
Identifiers: ClinVar variation 3600850 (VCV003600850.1).